The following is an entry in ClinVar:

ClinVar aggregate classification (germline): Uncertain significance. Review status: criteria provided, single submitter (1 of 4 stars). 2 submissions from 2 submitters: Uncertain significance (1). 1 of the submissions does not count toward it. Last evaluated 2024-04-29.

Conditions:
Breast-ovarian cancer, familial, susceptibility to, 1 (BROVCA1). Also called: BRCA1 Hereditary Breast and Ovarian Cancer; OVARIAN CANCER, SUSCEPTIBILITY TO. Identifiers: Orphanet 145, MedGen C2676676, MONDO:0011450, OMIM 604370. Disease mechanism: loss of function.
Hereditary breast ovarian cancer syndrome. Also called: Hereditary breast and ovarian cancer syndrome; Hereditary breast and ovarian cancer syndrome (HBOC); Breast and ovarian cancer; Hereditary breast and ovarian cancer; Hereditary breast and/or ovarian cancer syndrome; BRCA1- and BRCA2-Associated Hereditary Breast and Ovarian Cancer. Identifiers: Orphanet 145, MedGen C0677776, MeSH D061325, MONDO:0003582. Disease mechanism: loss of function.

Submissions (2):

Labcorp Genetics (formerly Invitae), Labcorp
Classification: Uncertain significance for Hereditary breast ovarian cancer syndrome. Last evaluated: 2024-04-29. Review status: criteria provided, single submitter. Criteria: Invitae Variant Classification Sherloc (09022015). Collection method: clinical testing. Allele origin: germline.
Comment: This sequence change replaces proline, which is neutral and non-polar, with arginine, which is basic and polar, at codon 1562 of the BRCA1 protein (p.Pro1562Arg). This variant is not present in population databases (gnomAD no frequency). This variant has not been reported in the literature in individuals affected with BRCA1-related conditions. ClinVar contains an entry for this variant (Variation ID: 1005528). Advanced modeling of protein sequence and biophysical properties (such as structural, functional, and spatial information, amino acid conservation, physicochemical variation, residue mobility, and thermodynamic stability) has been performed at Invitae for this missense variant, however the output from this modeling did not meet the statistical confidence thresholds required to predict the impact of this variant on BRCA1 protein function. In summary, the available evidence is currently insufficient to determine the role of this variant in disease. Therefore, it has been classified as a Variant of Uncertain Significance.

KCCC/NGS Laboratory, Kuwait Cancer Control Center
Classification: Uncertain significance for Breast-ovarian cancer, familial, susceptibility to, 1. Last evaluated: 2023-05-05. Review status: no assertion criteria provided. Collection method: clinical testing. Allele origin: germline. Affected: yes. Not counted in ClinVar's aggregate classification.
Comment: a variant of uncertain significance was detected in the BRCA1 gene (c.4748C>G). This sequence change replaces proline with arginine at codon 1562 of the BRCA1 protein (p.Pro1562Arg). This variant is not present in population databases (ExAC no frequency). This variant has not been reported in the literature in individuals with BRCA1-related conditions. In-silico predictions show pathogenic computational verdict based on 8 pathogenic predictions from BayesDel_addAF, DANN, FATHMM-MKL, LIST-S2, M-CAP, MVP, MutationTaster and SIFT vs 4 benign predictions from DEOGEN2, EIGEN MutationAssessor and PrimateAI and proline residue is not strongly preserved. Therefore, it has been classified as a Variant of Uncertain Significance.

Literature cited by the submitters: PubMed 20104584 (cited by KCCC/NGS Laboratory, Kuwait Cancer Control Center).

NM_007294.4(BRCA1):c.4685C>G (p.Pro1562Arg)

Gene: BRCA1 (BRCA1 DNA repair associated; minus strand). Cytogenetic location: 17q21.31.
Variant type: single nucleotide variant.
Coding change: c.4685C>G on transcript NM_007294.4 (MANE Select); coding-DNA position 4685, C replaced by G.
Protein change: p.Pro1562Arg; replaces proline 1562 with arginine.
Molecular consequence: missense variant. On other transcripts: non-coding transcript variant (1).
Genome position (GRCh38, 1-based): chr17:43,071,229, G>C on the plus strand (C>G on the coding strand, the complement: BRCA1 is on the minus strand). VCF-style: chr17-43071229-G-C. GRCh37 (hg19) VCF-style: chr17-41223246-G-C.
Other names: c.4748C>G (NM_007300.3); c.4472C>G, p.Pro1491Arg (NM_001407571.1, NM_001407894.1, NM_001407908.1 and 12 more transcripts); c.4751C>G, p.Pro1584Arg (NM_001407581.1, NM_001407582.1); c.4748C>G, p.Pro1583Arg (NM_001407583.1, NM_001407585.1, NM_001407587.1 and 1 more transcripts); c.4745C>G, p.Pro1582Arg (NM_001407590.1, NM_001407591.1); c.4685C>G, p.Pro1562Arg (NM_001407593.1, NM_001407594.1, NM_001407596.1 and 8 more transcripts); c.4682C>G, p.Pro1561Arg (NM_001407615.1, NM_001407616.1, NM_001407617.1 and 17 more transcripts); c.4679C>G, p.Pro1560Arg (NM_001407634.1, NM_001407635.1, NM_001407636.1 and 14 more transcripts); and 71 more; short protein forms P1515R, P1562R, P1583R, P458R, P1433R, P1435R, P1472R, P1493R.
Identifiers: ClinVar variation 1005528 (VCV001005528.12), dbSNP rs80357096, ClinGen allele CA10592138.